The following is an entry in ClinVar:

NM_001369268.1(ACAN):c.4753del (p.Asp1585fs)

Gene: ACAN (aggrecan; plus strand). Cytogenetic location: 15q26.1.
Variant type: Deletion.
Coding change: c.4753del on transcript NM_001369268.1 (MANE Select); coding-DNA position 4753, one base deleted (G; older notation c.4753delG).
Protein change: p.Asp1585fs; shifts the reading frame from aspartic acid 1585.
Molecular consequence: frameshift variant.
Genome position (GRCh38, 1-based): chr15:88,857,338, G deleted; the last of 2 consecutive G bases (chr15:88,857,337-88,857,338); deleting either gives the same sequence. VCF-style (leftmost placement, unchanged base first): chr15-88857336-AG-A. GRCh37 (hg19) VCF-style: chr15-89400567-AG-A.
Other names: p.(Asp1585ThrfsTer30); c.4753del, p.Asp1585fs (NM_001135.4, NM_001411096.1, NM_001411097.1 and 1 more transcripts); short protein forms D1585fs.
Identifiers: ClinVar variation 4565419 (VCV004565419.1).

ClinVar aggregate classification (germline): Pathogenic (1 of 4 stars; one submission).

Conditions:
Inborn genetic diseases. Identifiers: MedGen C0950123, MeSH D030342.

Submission:

Ambry Genetics
Classification: Pathogenic for Inborn genetic diseases. Last evaluated: 2025-12-11. Review status: criteria provided, single submitter. Criteria: Ambry Variant Classification Scheme 2023. Collection method: clinical testing. Allele origin: germline.
Comment: The c.4753delG (p.D1585Tfs*30) alteration, located in exon 12 (coding exon 11) of the ACAN gene, consists of a deletion of one nucleotide at position 4753, causing a translational frameshift with a predicted alternate stop codon after 30 amino acids. This alteration is expected to result in loss of function by premature protein truncation or nonsense-mediated mRNA decay. This variant was not reported in population-based cohorts in the Genome Aggregation Database (gnomAD). Based on the available evidence, this alteration is classified as pathogenic.